The following is an entry in ClinVar:

ClinVar aggregate classification (germline): Conflicting classifications of pathogenicity. Review status: criteria provided, conflicting classifications (1 of 4 stars). 2 submissions from 2 submitters: Uncertain significance (1); Likely benign (1). Last evaluated 2023-11-09.

Conditions:
Primary ciliary dyskinesia. Also called: Ciliary dyskinesia. Identifiers: Orphanet 244, MedGen C0008780, MONDO:0016575, HP:0012265.

Allele frequency attached by ClinVar (database versions not stated): gnomAD exomes below 0.00001; TOPMed below 0.00001; ExAC 0.00001.
gnomAD v4.1: 5 of 1,614,012 alleles (0.00031%); highest among the groups gnomAD compares: African/African-American, 0.0027%; no homozygotes.

Submissions (2):

Mayo Clinic Laboratories, Mayo Clinic
Classification: Uncertain significance. Last evaluated: 2023-11-09. Review status: criteria provided, single submitter. Criteria: ACMG Guidelines, 2015. Collection method: clinical testing. Allele origin: germline. Observed: 1 variant allele.
Comment: BP1, PM2

Labcorp Genetics (formerly Invitae), Labcorp
Classification: Likely benign for Primary ciliary dyskinesia. Last evaluated: 2023-05-01. Review status: criteria provided, single submitter. Criteria: Invitae Variant Classification Sherloc (09022015). Collection method: clinical testing. Allele origin: germline.

NM_001369.3(DNAH5):c.12827T>C (p.Met4276Thr)

Gene: DNAH5 (dynein axonemal heavy chain 5; minus strand). Cytogenetic location: 5p15.2.
Variant type: single nucleotide variant.
Coding change: c.12827T>C on transcript NM_001369.3 (MANE Select); coding-DNA position 12827, T replaced by C.
Protein change: p.Met4276Thr; replaces methionine 4276 with threonine.
Molecular consequence: missense variant.
Genome position (GRCh38, 1-based): chr5:13,716,569, A>G on the plus strand (T>C on the coding strand, the complement: DNAH5 is on the minus strand). VCF-style: chr5-13716569-A-G. GRCh37 (hg19) VCF-style: chr5-13716678-A-G.
Other names: p.Met4276Thr; c.12827T>C (NM_001369.2); short protein forms M4276T.
Identifiers: ClinVar variation 2999400 (VCV002999400.4), dbSNP rs749125278, ClinGen allele CA3201523.